The following is an entry in ClinVar:

ClinVar aggregate classification (germline): Benign. Review status: criteria provided, multiple submitters, no conflicts (2 of 4 stars). 4 submissions from 3 submitters: Benign (4). Last evaluated 2018-01-12.

Conditions:
Autosomal dominant nonsyndromic hearing loss 6 (LFSNHL). Also called: DEAFNESS, AUTOSOMAL DOMINANT 6; DEAFNESS, AUTOSOMAL DOMINANT 14; DEAFNESS, AUTOSOMAL DOMINANT 38; Autosomal dominant nonsyndromic deafness 6; DIDMOAD (Diabetes Insipidus, Diabetes Mellitus, Optic Atrophy, and Deafness). Identifiers: Orphanet 90635, MedGen C1833021, MONDO:0010963, OMIM 600965.
WFS1-Related Spectrum Disorders.
Wolfram syndrome 1 (WFS1). Identifiers: Orphanet 3463, MedGen C4551693, MONDO:0009101, OMIM 222300.

Allele frequency attached by ClinVar (database versions not stated): 1000 Genomes Project 0.01138; 1000 Genomes Project 30x 0.01218; TOPMed 0.02332; gnomAD 0.02587 and 0.02697; gnomAD exomes 0.03126.
gnomAD v4.1: 4,299 of 163,634 alleles (2.6%); highest among the groups gnomAD compares: Non-Finnish European, 3.5%; 88 homozygotes.

Submissions (4):

Illumina Laboratory Services, Illumina
Classification: Benign for WFS1-Related Spectrum Disorders. Last evaluated: 2018-01-12. Review status: criteria provided, single submitter. Criteria: ICSL Variant Classification Criteria 13 December 2019. Collection method: clinical testing. Allele origin: germline.
Comment: This variant was observed in the ICSL laboratory as part of a predisposition screen in an ostensibly healthy population. It had not been previously curated by ICSL or reported in the Human Gene Mutation Database (HGMD: prior to June 1st, 2018), and was therefore a candidate for classification through an automated scoring system. Utilizing variant allele frequency, disease prevalence and penetrance estimates, and inheritance mode, an automated score was calculated to assess if this variant is too frequent to cause the disease. Based on the score and internal cut-off values, a variant classified as benign is not then subjected to further curation. The score for this variant resulted in a classification of benign for this disease.

Illumina Laboratory Services, Illumina
Classification: Benign for Autosomal dominant nonsyndromic hearing loss 6. Last evaluated: 2018-01-12. Review status: criteria provided, single submitter. Criteria: ICSL Variant Classification Criteria 13 December 2019. Collection method: clinical testing. Allele origin: germline.
Comment: the same text as in the submission from Illumina Laboratory Services, Illumina above.

Breakthrough Genomics
Classification: Benign. Review status: criteria provided, single submitter. Criteria: ACMG Guidelines, 2015. Collection method: not provided. Allele origin: germline. Inheritance: Autosomal recessive inheritance. Affected: yes.

Clinical Genomics, Uppaluri K&H Personalized Medicine Clinic
Classification: Benign for Wolfram syndrome 1. Review status: criteria provided, single submitter. Criteria: K & H Uppaluri Personalized Medicine Clinic Variant Classification & Assertion Criteria_Updated V.1. Collection method: research. Allele origin: unknown. Inheritance: Autosomal recessive inheritance.
Comment: Potent mutations in WFS1 gene are associated with Wolfram's syndrome, an autosomal recessive condition, which cause diabetes mellitus, diabetes insipidus, deafness and optic atrophy.However no sufficient evidence is found to ascertain the role of this particular variant rs12508118 in Wolfram's syndrome yet.

Literature cited by the submitters: PubMed 20738327 (cited by Clinical Genomics, Uppaluri K&H Personalized Medicine Clinic); PubMed 33879153 (cited by Clinical Genomics, Uppaluri K&H Personalized Medicine Clinic); PubMed 12955714 (cited by Clinical Genomics, Uppaluri K&H Personalized Medicine Clinic); PubMed 18060660 (cited by Clinical Genomics, Uppaluri K&H Personalized Medicine Clinic); PubMed 20301750 (cited by Clinical Genomics, Uppaluri K&H Personalized Medicine Clinic); PubMed 17603484 (cited by Clinical Genomics, Uppaluri K&H Personalized Medicine Clinic).

NM_006005.3(WFS1):c.*567C>G

Gene: WFS1 (wolframin ER transmembrane glycoprotein; plus strand). Cytogenetic location: 4p16.1.
Variant type: single nucleotide variant.
Coding change: c.*567C>G on transcript NM_006005.3 (MANE Select); 567 bases downstream of the stop codon, C replaced by G.
Molecular consequence: 3 prime UTR variant.
Genome position (GRCh38, 1-based): chr4:6,303,035, C>G. VCF-style: chr4-6303035-C-G. GRCh37 (hg19) VCF-style: chr4-6304762-C-G.
Other names: c.*567C>G (NM_001145853.1).
Identifiers: ClinVar variation 349353 (VCV000349353.7), dbSNP rs12508118, ClinGen allele CA10621493.